The following is an entry in ClinVar:

ClinVar aggregate classification (germline): Benign (0 of 4 stars; one submission).

Conditions:
CPZ-related disorder. Also called: CPZ-related condition.

Allele frequency attached by ClinVar (database versions not stated): ESP Exome Variant Server 0.00261; 1000 Genomes Project 30x 0.00390; 1000 Genomes Project 0.00439.
gnomAD v4.1: 7,947 of 1,614,192 alleles (0.49%); highest among the groups gnomAD compares: South Asian, 1.4%; 35 homozygotes.

Submission:

PreventionGenetics, part of Exact Sciences
Classification: Benign for CPZ-related condition. Last evaluated: 2019-12-16. Review status: no assertion criteria provided. Collection method: clinical testing. Allele origin: germline.
Comment: This variant is classified as benign based on ACMG/AMP sequence variant interpretation guidelines (Richards et al. 2015 PMID: 25741868, with internal and published modifications).

NM_001014447.3(CPZ):c.1704C>T (p.Pro568=)

Gene: CPZ (carboxypeptidase Z; plus strand). Cytogenetic location: 4p16.1.
Variant type: single nucleotide variant.
Coding change: c.1704C>T on transcript NM_001014447.3 (MANE Select); coding-DNA position 1704, C replaced by T.
Protein change: p.Pro568=; no amino-acid change (proline 568 retained).
Molecular consequence: synonymous variant.
Genome position (GRCh38, 1-based): chr4:8,619,362, C>T. VCF-style: chr4-8619362-C-T. GRCh37 (hg19) VCF-style: chr4-8621089-C-T.
Other names: c.1293C>T, p.Pro431= (NM_001014448.3); c.1671C>T, p.Pro557= (NM_003652.4).
Identifiers: ClinVar variation 3042600 (VCV003042600.2), dbSNP rs34486568, ClinGen allele CA2854055.